The following is an entry in ClinVar:

ClinVar aggregate classification (germline): Uncertain significance (1 of 4 stars; one submission).

Conditions:
Multiple epiphyseal dysplasia type 1. Also called: COMP-Related Multiple Epiphyseal Dysplasia. Identifiers: Orphanet 93308, MedGen C1838280, MONDO:0007561, OMIM 132400.
Carpal tunnel syndrome 2. Identifiers: MedGen C5436916, MONDO:0030883, OMIM 619161.
Pseudoachondroplastic spondyloepiphyseal dysplasia syndrome (PSACH). Also called: PSEUDOACHONDROPLASTIC DYSPLASIA; Pseudoachondroplasia; COMP-Related Pseudoachondroplasia. Identifiers: Orphanet 750, MedGen C0410538, MONDO:0008322, OMIM 177170.

Submission:

Juno Genomics, Hangzhou Juno Genomics, Inc
Classification: Uncertain significance for Carpal tunnel syndrome 2; Multiple epiphyseal dysplasia type 1; Pseudoachondroplastic spondyloepiphyseal dysplasia syndrome. Review status: criteria provided, single submitter. Criteria: ACMG Guidelines, 2015. Collection method: clinical testing. Allele origin: germline.
Comment: Absent from controls (or at extremely low frequency if recessive) in Genome Aggregation Database.;Multiple lines of computational evidence support a deleterious effect on the gene or gene product.

NM_000095.3(COMP):c.2170G>T (p.Val724Phe)

Gene: COMP (cartilage oligomeric matrix protein; minus strand). Cytogenetic location: 19p13.11.
Variant type: single nucleotide variant.
Coding change: c.2170G>T on transcript NM_000095.3 (MANE Select); coding-DNA position 2170, G replaced by T.
Protein change: p.Val724Phe; replaces valine 724 with phenylalanine.
Molecular consequence: missense variant.
Genome position (GRCh38, 1-based): chr19:18,783,111, C>A on the plus strand (G>T on the coding strand, the complement: COMP is on the minus strand). VCF-style: chr19-18783111-C-A. GRCh37 (hg19) VCF-style: chr19-18893921-C-A.
Other names: short protein forms V724F.
Identifiers: ClinVar variation 5005954 (VCV005005954.2).